The following is an entry in ClinVar:

NM_004360.5(CDH1):c.1426G>A (p.Asp476Asn)

Gene: CDH1 (cadherin 1; plus strand). Cytogenetic location: 16q22.1.
Variant type: single nucleotide variant.
Coding change: c.1426G>A on transcript NM_004360.5 (MANE Select); coding-DNA position 1426, G replaced by A.
Protein change: p.Asp476Asn; replaces aspartic acid 476 with asparagine.
Molecular consequence: missense variant. On other transcripts: 5 prime UTR variant (2).
Genome position (GRCh38, 1-based): chr16:68,815,620, G>A. VCF-style: chr16-68815620-G-A. GRCh37 (hg19) VCF-style: chr16-68849523-G-A.
Other names: c.1243G>A, p.Asp415Asn (NM_001317184.2); c.-123G>A (NM_001317185.2); c.-394G>A (NM_001317186.2); c.1426G>A (NM_004360.4); short protein forms D415N, D476N.
Identifiers: ClinVar variation 2453328 (VCV002453328.6), dbSNP rs2152134891, ClinGen allele CA396462981.

ClinVar aggregate classification (germline): Conflicting classifications of pathogenicity. Review status: criteria provided, conflicting classifications (1 of 4 stars). 3 submissions from 3 submitters: Uncertain significance (2); Likely benign (1). Last evaluated 2026-06-16.

Conditions:
Hereditary diffuse gastric adenocarcinoma (HDGC). Also called: DIFFUSE GASTRIC AND LOBULAR BREAST CANCER SYNDROME. Identifiers: Orphanet 26106, MedGen C1708349, MONDO:0007648, OMIM 137215.
Hereditary cancer-predisposing syndrome. Also called: Hereditary Cancer Syndrome; Hereditary neoplastic syndrome; Neoplastic Syndromes, Hereditary; Tumor predisposition. Identifiers: Orphanet 140162, MedGen C0027672, MeSH D009386, MONDO:0015356.

Submissions (3):

Ambry Genetics
Classification: Likely benign for Hereditary cancer-predisposing syndrome. Last evaluated: 2026-06-16. Review status: criteria provided, single submitter. Criteria: Ambry Variant Classification Scheme 2023. Collection method: clinical testing. Allele origin: germline.

Labcorp Genetics (formerly Invitae), Labcorp
Classification: Uncertain significance for Hereditary diffuse gastric adenocarcinoma. Last evaluated: 2024-05-23. Review status: criteria provided, single submitter. Criteria: Invitae Variant Classification Sherloc (09022015). Collection method: clinical testing. Allele origin: germline.
Comment: This sequence change replaces aspartic acid, which is acidic and polar, with asparagine, which is neutral and polar, at codon 476 of the CDH1 protein (p.Asp476Asn). This variant is not present in population databases (gnomAD no frequency). This variant has not been reported in the literature in individuals affected with CDH1-related conditions. ClinVar contains an entry for this variant (Variation ID: 2453328). Algorithms developed to predict the effect of missense changes on protein structure and function output the following: SIFT: "Not Available"; PolyPhen-2: "Benign"; Align-GVGD: "Not Available". The asparagine amino acid residue is found in multiple mammalian species, which suggests that this missense change does not adversely affect protein function. In summary, the available evidence is currently insufficient to determine the role of this variant in disease. Therefore, it has been classified as a Variant of Uncertain Significance.

European Reference Network on Genetic Tumour Risk Syndromes (ERN-GENTURIS), i3s - Instituto de Investigação e Inovação em Saúde, University of Porto
Classification: Uncertain significance for Hereditary diffuse gastric adenocarcinoma. Last evaluated: 2022-08-01. Review status: criteria provided, single submitter. Criteria: Lee et al. (Hum Mutat. 2018). Collection method: clinical testing. Allele origin: germline. Inheritance: Autosomal dominant inheritance. Affected: no. Study: ERN GENTURIS.
Comment: PM2 (PMID: 30311375)

Literature cited by the submitters: PubMed 36436516 (cited by European Reference Network on Genetic Tumour Risk Syndromes (ERN-GENTURIS), i3s - Instituto de Investigação e Inovação em Saúde, University of Porto).